The following is an entry in ClinVar:

ClinVar aggregate classification (germline): Benign (0 of 4 stars; one submission).

Conditions:
MYOM2-related disorder. Also called: MYOM2-related condition.

Allele frequency attached by ClinVar (database versions not stated): ESP Exome Variant Server 0.13709; TOPMed 0.14861; gnomAD 0.15573; ExAC 0.16853; 1000 Genomes Project 0.17392; 1000 Genomes Project 30x 0.17473.
gnomAD v4.1: 271,047 of 1,613,978 alleles (17%); highest among the groups gnomAD compares: East Asian, 26%; 23,657 homozygotes.

Submission:

PreventionGenetics, part of Exact Sciences
Classification: Benign for MYOM2-related condition. Last evaluated: 2019-10-21. Review status: no assertion criteria provided. Collection method: clinical testing. Allele origin: germline.
Comment: This variant is classified as benign based on ACMG/AMP sequence variant interpretation guidelines (Richards et al. 2015 PMID: 25741868, with internal and published modifications).

NM_003970.4(MYOM2):c.2769A>G (p.Gln923=)

Genes: MYOM2 (myomesin 2; plus strand), LOC126860282 (BRD4-independent group 4 enhancer GRCh37_chr8:2053383-2054582; plus strand). Cytogenetic location: 8p23.3.
Variant type: single nucleotide variant.
Coding change: c.2769A>G on transcript NM_003970.4 (MANE Select); coding-DNA position 2769, A replaced by G.
Protein change: p.Gln923=; no amino-acid change (glutamine 923 retained).
Molecular consequence: synonymous variant.
Genome position (GRCh38, 1-based): chr8:2,106,276, A>G. VCF-style: chr8-2106276-A-G. GRCh37 (hg19) VCF-style: chr8-2054066-A-G.
Identifiers: ClinVar variation 3060055 (VCV003060055.2), dbSNP rs17684416, ClinGen allele CA170459304.
Genomic context (GRCh38, chr8:2,106,276, plus strand): 5'-GCTCACTTCATACTCTTCTTATGCAGGCACCAAGGAAATCAGTGCTGGTGTCGATGAACA[A>G]GGCAACATCTATCTGGGCTTCGACTGCCAGGAAATGACAGACGCGTCTCAGTTCACCTGG-3'
Protein context (NP_003961.3, residues 913-933): TKEISAGVDE[Gln923=]GNIYLGFDCQ